The following is an entry in ClinVar:

NM_001848.3(COL6A1):c.1003-1G>T

Gene: COL6A1 (collagen type VI alpha 1 chain; plus strand). Cytogenetic location: 21q22.3.
Variant type: single nucleotide variant.
Coding change: c.1003-1G>T on transcript NM_001848.3 (MANE Select); the canonical splice acceptor site of the intron before coding-DNA position 1003, G replaced by T.
Molecular consequence: splice acceptor variant.
Genome position (GRCh38, 1-based): chr21:45,990,772, G>T. VCF-style: chr21-45990772-G-T. GRCh37 (hg19) VCF-style: chr21-47410686-G-T.
Identifiers: ClinVar variation 654745 (VCV000654745.6), dbSNP rs886043330, ClinGen allele CA410523314.

ClinVar aggregate classification (germline): Pathogenic (1 of 4 stars; one submission).

Conditions:
Bethlem myopathy 1A. Also called: Bethlem Muscular Dystrophy; Bethlem myopathy 1; MYOPATHY, BENIGN CONGENITAL, WITH CONTRACTURES. Identifiers: Orphanet 610, MedGen CN029274, MONDO:0024530, OMIM 158810.

Submission:

Labcorp Genetics (formerly Invitae), Labcorp
Classification: Pathogenic for Bethlem myopathy 1A. Last evaluated: 2022-07-29. Review status: criteria provided, single submitter. Criteria: Invitae Variant Classification Sherloc (09022015). Collection method: clinical testing. Allele origin: germline.
Comment: This sequence change affects an acceptor splice site in intron 13 of the COL6A1 gene. It is expected to disrupt RNA splicing. Variants that disrupt the donor or acceptor splice site typically lead to a loss of protein function (PMID: 16199547), and loss-of-function variants in COL6A1 are known to be disease-causing for autosomal recessive COL6A1 conditions (PMID: 21280092, 20976770). However, certain variants affecting donor or acceptor splice sites in the triple helical domain of COL6A1 are expected to result in in-frame exon skipping and have been reported to cause autosomal dominant COL6A1-related conditions (PMID: 18366090). This variant is not present in population databases (gnomAD no frequency). Disruption of this splice site has been observed in individual(s) with Bethlem myopathy (PMID: 18378883, 25535305). In at least one individual the variant was observed to be de novo. ClinVar contains an entry for this variant (Variation ID: 654745). Algorithms developed to predict the effect of sequence changes on RNA splicing suggest that this variant may disrupt the consensus splice site. For these reasons, this variant has been classified as Pathogenic.

Literature cited by the submitters: PubMed 16199547; PubMed 21280092; PubMed 20976770; PubMed 18366090; PubMed 18378883; PubMed 25535305.